The following is an entry in ClinVar:

NM_020754.4(ARHGAP31):c.3524G>A (p.Arg1175His)

Gene: ARHGAP31 (Rho GTPase activating protein 31; plus strand). Cytogenetic location: 3q13.33.
Variant type: single nucleotide variant.
Coding change: c.3524G>A on transcript NM_020754.4 (MANE Select); coding-DNA position 3524, G replaced by A.
Protein change: p.Arg1175His; replaces arginine 1175 with histidine.
Molecular consequence: missense variant.
Genome position (GRCh38, 1-based): chr3:119,415,453, G>A. VCF-style: chr3-119415453-G-A. GRCh37 (hg19) VCF-style: chr3-119134300-G-A.
Other names: short protein forms R1175H.
Identifiers: ClinVar variation 1422298 (VCV001422298.8), dbSNP rs1020868632, ClinGen allele CA81698393.

ClinVar aggregate classification (germline): Uncertain significance (1 of 4 stars; one submission).

Allele frequency attached by ClinVar (database versions not stated): gnomAD 0.00001; gnomAD exomes 0.00001 and 0.00002.
gnomAD v4.1: 24 of 1,613,876 alleles (0.0015%); highest among the groups gnomAD compares: East Asian, 0.0089%; no homozygotes.

Submission:

Labcorp Genetics (formerly Invitae), Labcorp
Classification: Uncertain significance. Last evaluated: 2023-12-22. Review status: criteria provided, single submitter. Criteria: Invitae Variant Classification Sherloc (09022015). Collection method: clinical testing. Allele origin: germline.
Comment: This sequence change replaces arginine, which is basic and polar, with histidine, which is basic and polar, at codon 1175 of the ARHGAP31 protein (p.Arg1175His). This variant is present in population databases (no rsID available, gnomAD 0.006%). This variant has not been reported in the literature in individuals affected with ARHGAP31-related conditions. ClinVar contains an entry for this variant (Variation ID: 1422298). An algorithm developed to predict the effect of missense changes on protein structure and function (PolyPhen-2) suggests that this variant is likely to be disruptive. In summary, the available evidence is currently insufficient to determine the role of this variant in disease. Therefore, it has been classified as a Variant of Uncertain Significance.